The following is an entry in ClinVar:

ClinVar aggregate classification (germline): Uncertain significance. Review status: criteria provided, multiple submitters, no conflicts (2 of 4 stars). 4 submissions from 4 submitters: Uncertain significance (4). Last evaluated 2026-01-18.

Conditions:
Classic or attenuated familial adenomatous polyposis. Identifiers: MedGen CN372698, MONDO:0021057.
Hereditary cancer-predisposing syndrome. Also called: Tumor predisposition; Hereditary Cancer Syndrome; Hereditary neoplastic syndrome; Neoplastic Syndromes, Hereditary. Identifiers: Orphanet 140162, MedGen C0027672, MeSH D009386, MONDO:0015356.
Familial adenomatous polyposis 1 (FAP1). Also called: FAMILIAL ADENOMATOUS POLYPOSIS 1, ATTENUATED; POLYPOSIS, ADENOMATOUS INTESTINAL. Identifiers: MedGen C2713442, MONDO:0021056, OMIM 175100. Disease mechanism: loss of function.

Submissions (4):

Labcorp Genetics (formerly Invitae), Labcorp
Classification: Uncertain significance for Familial adenomatous polyposis 1. Last evaluated: 2026-01-18. Review status: criteria provided, single submitter. Criteria: Invitae Variant Classification Sherloc (09022015). Collection method: clinical testing. Allele origin: germline.
Comment: This sequence change replaces threonine, which is neutral and polar, with asparagine, which is neutral and polar, at codon 2626 of the APC protein (p.Thr2626Asn). This variant is not present in population databases (gnomAD no frequency). This variant has not been reported in the literature in individuals affected with APC-related conditions. ClinVar contains an entry for this variant (Variation ID: 487059). Invitae Evidence Modeling of protein sequence and biophysical properties (such as structural, functional, and spatial information, amino acid conservation, physicochemical variation, residue mobility, and thermodynamic stability) indicates that this missense variant is not expected to disrupt APC protein function with a negative predictive value of 95%. In summary, the available evidence is currently insufficient to determine the role of this variant in disease. Therefore, it has been classified as a Variant of Uncertain Significance.

Ambry Genetics
Classification: Uncertain significance for Hereditary cancer-predisposing syndrome. Last evaluated: 2025-01-03. Review status: criteria provided, single submitter. Criteria: Ambry Variant Classification Scheme 2023. Collection method: clinical testing. Allele origin: germline.
Comment: The p.T2626N variant (also known as c.7877C>A), located in coding exon 15 of the APC gene, results from a C to A substitution at nucleotide position 7877. The threonine at codon 2626 is replaced by asparagine, an amino acid with similar properties. This amino acid position is not well conserved in available vertebrate species. In addition, in silico predictors for this gene do not accurately predict pathogenicity. Since supporting evidence is limited at this time, the clinical significance of this alteration remains unclear.

Baylor Genetics
Classification: Uncertain significance for Familial adenomatous polyposis 1. Last evaluated: 2023-10-16. Review status: criteria provided, single submitter. Criteria: ACMG Guidelines, 2015. Collection method: clinical testing. Allele origin: unknown.

All of Us Research Program, National Institutes of Health
Classification: Uncertain significance for Classic or attenuated familial adenomatous polyposis. Last evaluated: 2023-10-06. Review status: criteria provided, single submitter. Criteria: ACMG Guidelines, 2015. Collection method: clinical testing. Allele origin: germline. Inheritance: Autosomal dominant inheritance. Observed: 1 variant allele, 1 heterozygote.
Comment: This missense variant replaces threonine with asparagine at codon 2626 of the APC protein. Computational prediction suggests that this variant may not impact protein structure and function (internally defined REVEL score threshold <= 0.5, PMID: 27666373). To our knowledge, functional studies have not been reported for this variant. This variant has not been reported in individuals affected with APC-related disorders in the literature. This variant has not been identified in the general population by the Genome Aggregation Database (gnomAD). The available evidence is insufficient to determine the role of this variant in disease conclusively. Therefore, this variant is classified as a Variant of Uncertain Significance.

This study involves interpretation of variants in research participants for the purpose of population health screening. Participant phenotype was not available at the time of variant classification. Additional details can be found in publication PMID: 35346344, PMCID: PMC8962531

NM_000038.6(APC):c.7877C>A (p.Thr2626Asn)

Gene: APC (APC regulator of Wnt signaling pathway; plus strand). Cytogenetic location: 5q22.2.
Variant type: single nucleotide variant.
Coding change: c.7877C>A on transcript NM_000038.6 (MANE Select); coding-DNA position 7877, C replaced by A.
Protein change: p.Thr2626Asn; replaces threonine 2626 with asparagine.
Molecular consequence: missense variant.
Genome position (GRCh38, 1-based): chr5:112,843,471, C>A. VCF-style: chr5-112843471-C-A. GRCh37 (hg19) VCF-style: chr5-112179168-C-A.
Other names: c.7877C>A, p.Thr2626Asn (NM_001127510.3, NM_001354895.2); c.7823C>A, p.Thr2608Asn (NM_001127511.3); c.7931C>A, p.Thr2644Asn (NM_001354896.2); c.7907C>A, p.Thr2636Asn (NM_001354897.2); c.7802C>A, p.Thr2601Asn (NM_001354898.2); c.7793C>A, p.Thr2598Asn (NM_001354899.2); c.7754C>A, p.Thr2585Asn (NM_001354900.2); c.7700C>A, p.Thr2567Asn (NM_001354901.2); and 5 more; short protein forms T2608N, T2626N, T2343N, T2466N, T2500N, T2585N, T2644N, T2525N.
Identifiers: ClinVar variation 487059 (VCV000487059.11), dbSNP rs730881268, ClinGen allele CA16038448.